The following is an entry in ClinVar:

ClinVar aggregate classification (germline): Uncertain significance (1 of 4 stars; one submission).

Submission:

CeGaT Center for Human Genetics Tuebingen
Classification: Uncertain significance. Last evaluated: 2022-03-01. Review status: criteria provided, single submitter. Criteria: CeGaT Center For Human Genetics Tuebingen Variant Classification Criteria Version 2. Collection method: clinical testing. Allele origin: germline. Affected: yes. Observed: 1 variant allele.
Comment: TAOK1: PM2, PP2, PP3

NM_020791.4(TAOK1):c.163G>A (p.Ala55Thr)

Gene: TAOK1 (TAO kinase 1; plus strand). Cytogenetic location: 17q11.2.
Variant type: single nucleotide variant.
Coding change: c.163G>A on transcript NM_020791.4 (MANE Select); coding-DNA position 163, G replaced by A.
Protein change: p.Ala55Thr; replaces alanine 55 with threonine.
Molecular consequence: missense variant.
Genome position (GRCh38, 1-based): chr17:29,467,175, G>A. VCF-style: chr17-29467175-G-A. GRCh37 (hg19) VCF-style: chr17-27794193-G-A.
Other names: c.163G>A, p.Ala55Thr (NM_025142.1); short protein forms A55T.
Identifiers: ClinVar variation 1675664 (VCV001675664.33), dbSNP rs2153025663, ClinGen allele CA399187835.